The following is an entry in ClinVar:

NM_015512.5(DNAH1):c.8153C>G (p.Pro2718Arg)

Gene: DNAH1 (dynein axonemal heavy chain 1; plus strand). Cytogenetic location: 3p21.1.
Variant type: single nucleotide variant.
Coding change: c.8153C>G on transcript NM_015512.5 (MANE Select); coding-DNA position 8153, C replaced by G.
Protein change: p.Pro2718Arg; replaces proline 2718 with arginine.
Molecular consequence: missense variant.
Genome position (GRCh38, 1-based): chr3:52,383,862, C>G. VCF-style: chr3-52383862-C-G. GRCh37 (hg19) VCF-style: chr3-52417878-C-G.
Other names: short protein forms P2718R.
Identifiers: ClinVar variation 4793323 (VCV004793323.1).

ClinVar aggregate classification (germline): Uncertain significance (1 of 4 stars; one submission).

Conditions:
Spermatogenic failure 18. Identifiers: MedGen C4539783, MONDO:0054615, OMIM 617576.
Ciliary dyskinesia, primary, 37 (CILD37). Also called: CILIARY DYSKINESIA, PRIMARY, 37, WITH OR WITHOUT SITUS INVERSUS. Identifiers: MedGen C4539798, MONDO:0033204, OMIM 617577.

gnomAD v4.1: 1 of 1,591,040 alleles (0.000063%); highest among the groups gnomAD compares: Non-Finnish European, 0.000086%; no homozygotes.

Submission:

Labcorp Genetics (formerly Invitae), Labcorp
Classification: Uncertain significance for Ciliary dyskinesia, primary, 37; Spermatogenic failure 18. Last evaluated: 2025-04-02. Review status: criteria provided, single submitter. Criteria: Invitae Variant Classification Sherloc (09022015). Collection method: clinical testing. Allele origin: germline.
Comment: This sequence change replaces proline, which is neutral and non-polar, with arginine, which is basic and polar, at codon 2718 of the DNAH1 protein (p.Pro2718Arg). This variant is not present in population databases (gnomAD no frequency). This variant has not been reported in the literature in individuals affected with DNAH1-related conditions. An algorithm developed to predict the effect of missense changes on protein structure and function (PolyPhen-2) suggests that this variant is likely to be disruptive. In summary, the available evidence is currently insufficient to determine the role of this variant in disease. Therefore, it has been classified as a Variant of Uncertain Significance.